The following is an entry in ClinVar:

ClinVar aggregate classification (germline): Uncertain significance (1 of 4 stars; one submission).

Conditions:
Hereditary cancer-predisposing syndrome. Also called: Neoplastic Syndromes, Hereditary; Tumor predisposition; Hereditary neoplastic syndrome; Hereditary Cancer Syndrome. Identifiers: Orphanet 140162, MedGen C0027672, MeSH D009386, MONDO:0015356.

Submission:

Ambry Genetics
Classification: Uncertain significance for Hereditary cancer-predisposing syndrome. Last evaluated: 2026-08-31. Review status: criteria provided, single submitter. Criteria: Ambry Variant Classification Scheme 2023. Collection method: clinical testing. Allele origin: germline.
Comment: The p.E650V variant (also known as c.1949A>T), located in coding exon 18 of the TSC2 gene, results from an A to T substitution at nucleotide position 1949. The glutamic acid at codon 650 is replaced by valine, an amino acid with dissimilar properties. This amino acid position is conserved. In addition, this alteration is predicted to be deleterious by in silico analysis. Based on the available evidence, the clinical significance of this variant remains unclear.

NM_000548.5(TSC2):c.1949A>T (p.Glu650Val)

Gene: TSC2 (TSC complex subunit 2; plus strand). Cytogenetic location: 16p13.3.
Variant type: single nucleotide variant.
Coding change: c.1949A>T on transcript NM_000548.5 (MANE Select); coding-DNA position 1949, A replaced by T.
Protein change: p.Glu650Val; replaces glutamic acid 650 with valine.
Molecular consequence: missense variant. On other transcripts: non-coding transcript variant (5).
Genome position (GRCh38, 1-based): chr16:2,071,786, A>T. VCF-style: chr16-2071786-A-T. GRCh37 (hg19) VCF-style: chr16-2121787-A-T.
Other names: c.1802A>T, p.Glu601Val (NM_001406679.1, NM_001318829.2, NM_001406675.1 and 1 more transcripts); c.1349A>T, p.Glu450Val (NM_001406680.1, NM_001406682.1, NM_001406683.1 and 6 more transcripts); c.1487A>T, p.Glu496Val (NM_001406681.1); c.1838A>T, p.Glu613Val (NM_001318827.2, NM_001406670.1, NM_001406678.1); c.1982A>T, p.Glu661Val (NM_001318832.2); c.1949A>T, p.Glu650Val (NM_001363528.2, NM_001370404.1, NM_001370405.1 and 6 more transcripts); c.2039A>T, p.Glu680Val (NM_001406667.1, NM_001406668.1); c.1937A>T, p.Glu646Val (NM_001406671.1, NM_001406673.1); and 3 more; short protein forms E116V, E496V, E613V, E650V, E450V, E202V, E601V, E680V.
Identifiers: ClinVar variation 5031404 (VCV005031404.1).